The following is an entry in ClinVar:

NM_000202.8(IDS):c.1411G>C (p.Asp471His)

Gene: IDS (iduronate 2-sulfatase; minus strand). Cytogenetic location: Xq28.
Variant type: single nucleotide variant.
Coding change: c.1411G>C on transcript NM_000202.8 (MANE Select); coding-DNA position 1411, G replaced by C.
Protein change: p.Asp471His; replaces aspartic acid 471 with histidine.
Molecular consequence: missense variant.
Genome position (GRCh38, 1-based): chrX:149,482,988, C>G on the plus strand (G>C on the coding strand, the complement: IDS is on the minus strand). VCF-style: chrX-149482988-C-G. GRCh37 (hg19) VCF-style: chrX-148564519-C-G.
Other names: c.1141G>C, p.Asp381His (NM_001166550.4); short protein forms D381H, D471H.
Identifiers: ClinVar variation 988764 (VCV000988764.3), dbSNP rs2089305507.

ClinVar aggregate classification (germline): Likely pathogenic (1 of 4 stars; one submission).

Conditions:
Mucopolysaccharidosis, MPS-II (MPS2). Also called: IDS deficiency; Sulfoiduronate sulfatase deficiency; SIDS deficiency; Mucopolysaccharidosis type 2; Mucopolysaccharidosis Type II; Attenuated MPS (subtype; formerly known as mild MPS II). Identifiers: Orphanet 580, Orphanet 79388, MedGen C0026705, MONDO:0010674, OMIM 309900.

Submission:

Laboratory of Diagnosis and Therapy of Lysosomal Disorders, University of Padova
Classification: Likely pathogenic for Mucopolysaccharidosis, MPS-II. Last evaluated: 2024-06-07. Review status: criteria provided, single submitter. Criteria: ACMG Guidelines, 2015. Collection method: literature only. Allele origin: germline. Affected: yes. Observed: 1 variant allele.
Comment: De novo (PS2_Moderate), Absent from controls (or at low frequency) in gnomAD database (PM2_Moderate), Missense variant in a gene with a low rate of benign missense variation (PP2_Supporting), Patient’s phenotype or family history highly specific for the disease (PP4_Strong)

Classification method: ACMG Guidelines [PMID:25741868] with modifications

Literature cited by the submitters: PubMed 33676511.